The following is an entry in ClinVar:

NM_181332.3(NLGN4X):c.1760T>A (p.Val587Glu)

Gene: NLGN4X (neuroligin 4 X-linked; minus strand). Cytogenetic location: Xp22.32.
Variant type: single nucleotide variant.
Coding change: c.1760T>A on transcript NM_181332.3 (MANE Select); coding-DNA position 1760, T replaced by A.
Protein change: p.Val587Glu; replaces valine 587 with glutamic acid.
Molecular consequence: missense variant.
Genome position (GRCh38, 1-based): chrX:5,893,508, A>T on the plus strand (T>A on the coding strand, the complement: NLGN4X is on the minus strand). VCF-style: chrX-5893508-A-T. GRCh37 (hg19) VCF-style: chrX-5811549-A-T.
Other names: c.1760T>A, p.Val587Glu (NM_001282145.2, NM_001282146.2, NM_020742.4); short protein forms V587E.
Identifiers: ClinVar variation 3343588 (VCV003343588.1).
Genomic context (GRCh38, chrX:5,893,508, plus strand): 5'-ACATACTGGAATATCTCGTTCAAGTTGTGCAAATGAGGAACGAGTTCCAACCAGAAAGCC[A>T]CTTTCGTTGCCCGGTAGTGATCTCTCACTCTGGGTTTCAAGCCAATATGCAGATAGAGCT-3'
Protein context (NP_851849.1, residues 577-597): RVRDHYRATK[Val587Glu]AFWLELVPHL

ClinVar aggregate classification (germline): Uncertain significance (1 of 4 stars; one submission).

Submission:

GeneDx
Classification: Uncertain significance. Last evaluated: 2024-03-25. Review status: criteria provided, single submitter. Criteria: GeneDx Variant Classification Process June 2021. Collection method: clinical testing. Allele origin: germline. Affected: yes.
Comment: Not observed at significant frequency in large population cohorts (gnomAD); In silico analysis supports that this missense variant has a deleterious effect on protein structure/function; Has not been previously published as pathogenic or benign to our knowledge